The following is an entry in ClinVar:

NM_002941.4(ROBO1):c.2734A>C (p.Met912Leu)

Gene: ROBO1 (roundabout guidance receptor 1; minus strand). Cytogenetic location: 3p12.3.
Variant type: single nucleotide variant.
Coding change: c.2734A>C on transcript NM_002941.4 (MANE Select); coding-DNA position 2734, A replaced by C.
Protein change: p.Met912Leu; replaces methionine 912 with leucine.
Molecular consequence: missense variant.
Genome position (GRCh38, 1-based): chr3:78,651,810, T>G on the plus strand (A>C on the coding strand, the complement: ROBO1 is on the minus strand). VCF-style: chr3-78651810-T-G. GRCh37 (hg19) VCF-style: chr3-78700960-T-G.
Other names: c.2626A>C, p.Met876Leu (NM_001145844.1, NM_001145845.2, NM_133631.4); short protein forms M912L, M876L.
Identifiers: ClinVar variation 2015960 (VCV002015960.4), dbSNP rs758328897, ClinGen allele CA2498598.

ClinVar aggregate classification (germline): Uncertain significance (1 of 4 stars; one submission).

Allele frequency attached by ClinVar (database versions not stated): ExAC 0.00001.
gnomAD v4.1: 7 of 1,613,796 alleles (0.00043%); highest among the groups gnomAD compares: Non-Finnish European, 0.00059%; no homozygotes.

Submission:

Labcorp Genetics (formerly Invitae), Labcorp
Classification: Uncertain significance. Last evaluated: 2022-07-14. Review status: criteria provided, single submitter. Criteria: Invitae Variant Classification Sherloc (09022015). Collection method: clinical testing. Allele origin: germline.
Comment: This sequence change replaces methionine, which is neutral and non-polar, with leucine, which is neutral and non-polar, at codon 912 of the ROBO1 protein (p.Met912Leu). This variant is present in population databases (rs758328897, gnomAD 0.0009%). This variant has not been reported in the literature in individuals affected with ROBO1-related conditions. Advanced modeling of protein sequence and biophysical properties (such as structural, functional, and spatial information, amino acid conservation, physicochemical variation, residue mobility, and thermodynamic stability) performed at Invitae indicates that this missense variant is not expected to disrupt ROBO1 protein function. In summary, the available evidence is currently insufficient to determine the role of this variant in disease. Therefore, it has been classified as a Variant of Uncertain Significance.